The following is an entry in ClinVar:

ClinVar aggregate classification (germline): Uncertain significance (1 of 4 stars; one submission).

Allele frequency attached by ClinVar (database versions not stated): gnomAD exomes below 0.00001.

Submission:

Labcorp Genetics (formerly Invitae), Labcorp
Classification: Uncertain significance. Last evaluated: 2020-03-17. Review status: criteria provided, single submitter. Criteria: Invitae Variant Classification Sherloc (09022015). Collection method: clinical testing. Allele origin: germline.
Comment: This sequence change results in a premature translational stop signal in the TMEM126A gene (p.Leu138Valfs*13). While this is not anticipated to result in nonsense mediated decay, it is expected to disrupt the last 58 amino acids of the TMEM126A protein. This variant is not present in population databases (ExAC no frequency). This variant has not been reported in the literature in individuals with TMEM126A-related conditions. In summary, the available evidence is currently insufficient to determine the role of this variant in disease. Therefore, it has been classified as a Variant of Uncertain Significance.

NM_032273.4(TMEM126A):c.410dup (p.Leu138fs)

Gene: TMEM126A (transmembrane protein 126A; plus strand). Cytogenetic location: 11q14.1.
Variant type: Duplication.
Coding change: c.410dup on transcript NM_032273.4 (MANE Select); coding-DNA position 410, one base duplicated (T; older notation c.410dupT).
Protein change: p.Leu138fs; shifts the reading frame from leucine 138.
Molecular consequence: frameshift variant.
Genome position (GRCh38, 1-based): chr11:85,656,323, T duplicated. VCF-style (leftmost placement, unchanged base first): chr11-85656322-C-CT. GRCh37 (hg19) VCF-style: chr11-85367366-C-CT.
Other names: c.200dup, p.Leu68fs (NM_001244735.2); short protein forms L138fs, L68fs.
Identifiers: ClinVar variation 1040086 (VCV001040086.6), dbSNP rs2082539382, ClinGen allele CA1988203919.